The following is an entry in ClinVar:

ClinVar aggregate classification (germline): Uncertain significance. Review status: criteria provided, multiple submitters, no conflicts (2 of 4 stars). 5 submissions from 5 submitters: Uncertain significance (5). Last evaluated 2025-05-04.

Conditions:
Mismatch repair cancer syndrome 3. Identifiers: MedGen C5436807, MONDO:0030841, OMIM 619097.
Lynch syndrome 5 (LYNCH5). Also called: Hereditary non-polyposis colorectal cancer, type 5; Colorectal cancer, hereditary nonpolyposis, type 5. Identifiers: Orphanet 144, MedGen C1833477, MONDO:0013710, OMIM 614350. Disease mechanism: loss of function.
Endometrial carcinoma. Also called: Endometrial carcinoma, somatic. Identifiers: MedGen C0476089, MONDO:0002447, OMIM 608089, HP:0012114.
Hereditary nonpolyposis colorectal neoplasms. Identifiers: MedGen C0009405, MeSH D003123.
Hereditary cancer-predisposing syndrome. Also called: Hereditary Cancer Syndrome; Neoplastic Syndromes, Hereditary; Tumor predisposition; Hereditary neoplastic syndrome. Identifiers: Orphanet 140162, MedGen C0027672, MeSH D009386, MONDO:0015356.

gnomAD v4.1: 2 of 1,612,722 alleles (0.00012%); highest among the groups gnomAD compares: Non-Finnish European, 0.00017%; no homozygotes.

Submissions (5):

Labcorp Genetics (formerly Invitae), Labcorp
Classification: Uncertain significance for Hereditary nonpolyposis colorectal neoplasms. Last evaluated: 2025-05-04. Review status: criteria provided, single submitter. Criteria: Invitae Variant Classification Sherloc (09022015). Collection method: clinical testing. Allele origin: germline.
Comment: This sequence change replaces alanine, which is neutral and non-polar, with glycine, which is neutral and non-polar, at codon 1147 of the MSH6 protein (p.Ala1147Gly). This variant is not present in population databases (gnomAD no frequency). This variant has not been reported in the literature in individuals affected with MSH6-related conditions. ClinVar contains an entry for this variant (Variation ID: 490003). An algorithm developed to predict the effect of missense changes on protein structure and function (PolyPhen-2) suggests that this variant is likely to be disruptive. In summary, the available evidence is currently insufficient to determine the role of this variant in disease. Therefore, it has been classified as a Variant of Uncertain Significance.

GeneDx
Classification: Uncertain significance. Last evaluated: 2025-02-05. Review status: criteria provided, single submitter. Criteria: GeneDx Variant Classification Process June 2021. Collection method: clinical testing. Allele origin: germline. Affected: yes.
Comment: Not observed at significant frequency in large population cohorts (gnomAD); In silico analysis supports that this missense variant has a deleterious effect on protein structure/function; Has not been previously published as pathogenic or benign to our knowledge; This variant is associated with the following publications: (PMID: 17531815, 21120944, 12019211)

Ambry Genetics
Classification: Uncertain significance for Hereditary cancer-predisposing syndrome. Last evaluated: 2025-01-30. Review status: criteria provided, single submitter. Criteria: Ambry Variant Classification Scheme 2023. Collection method: clinical testing. Allele origin: germline.
Comment: The p.A1147G variant (also known as c.3440C>G), located in coding exon 6 of the MSH6 gene, results from a C to G substitution at nucleotide position 3440. The alanine at codon 1147 is replaced by glycine, an amino acid with similar properties. This amino acid position is well conserved in available vertebrate species. In addition, this alteration is predicted to be deleterious by in silico analysis. Based on the available evidence, the clinical significance of this variant remains unclear.

Fulgent Genetics
Classification: Uncertain significance for Endometrial carcinoma; Lynch syndrome 5; Mismatch repair cancer syndrome 3. Last evaluated: 2024-01-01. Review status: criteria provided, single submitter. Criteria: ACMG Guidelines, 2015. Collection method: clinical testing. Allele origin: germline.

Color Diagnostics, LLC DBA Color Health
Classification: Uncertain significance for Hereditary cancer-predisposing syndrome. Last evaluated: 2019-03-18. Review status: criteria provided, single submitter. Criteria: ACMG Guidelines, 2015. Collection method: clinical testing. Allele origin: germline.

NM_000179.3(MSH6):c.3440C>G (p.Ala1147Gly)

Gene: MSH6 (mutS homolog 6; plus strand). Cytogenetic location: 2p16.3.
Variant type: single nucleotide variant.
Coding change: c.3440C>G on transcript NM_000179.3 (MANE Select); coding-DNA position 3440, C replaced by G.
Protein change: p.Ala1147Gly; replaces alanine 1147 with glycine.
Molecular consequence: missense variant.
Genome position (GRCh38, 1-based): chr2:47,804,911, C>G. VCF-style: chr2-47804911-C-G. GRCh37 (hg19) VCF-style: chr2-48032050-C-G.
Other names: c.3050C>G, p.Ala1017Gly (NM_001281492.2); c.2534C>G, p.Ala845Gly (NM_001281493.2, NM_001281494.2); short protein forms A1147G, A845G, A1017G.
Identifiers: ClinVar variation 490003 (VCV000490003.17), dbSNP rs876659975, ClinGen allele CA346759922.